The following is an entry in ClinVar:

ClinVar aggregate classification (germline): Uncertain significance (1 of 4 stars; one submission).

Conditions:
Cone-rod dystrophy 13 (CORD13). Identifiers: Orphanet 1872, MedGen C2750720, MONDO:0011987, OMIM 608194.
Leber congenital amaurosis 6 (LCA6). Identifiers: Orphanet 65, MedGen C1854260, MONDO:0013446, OMIM 613826.

Allele frequency attached by ClinVar (database versions not stated): TOPMed below 0.00001.

Submission:

Labcorp Genetics (formerly Invitae), Labcorp
Classification: Uncertain significance for Leber congenital amaurosis 6; Cone-rod dystrophy 13. Last evaluated: 2022-08-16. Review status: criteria provided, single submitter. Criteria: Invitae Variant Classification Sherloc (09022015). Collection method: clinical testing. Allele origin: germline.
Comment: Algorithms developed to predict the effect of missense changes on protein structure and function output the following: SIFT: "Tolerated"; PolyPhen-2: "Benign"; Align-GVGD: "Class C0". The cysteine amino acid residue is found in multiple mammalian species, which suggests that this missense change does not adversely affect protein function. ClinVar contains an entry for this variant (Variation ID: 1396057). This variant has not been reported in the literature in individuals affected with RPGRIP1-related conditions. This variant is not present in population databases (gnomAD no frequency). This sequence change replaces serine, which is neutral and polar, with cysteine, which is neutral and slightly polar, at codon 473 of the RPGRIP1 protein (p.Ser473Cys). In summary, the available evidence is currently insufficient to determine the role of this variant in disease. Therefore, it has been classified as a Variant of Uncertain Significance.

NM_020366.4(RPGRIP1):c.1418C>G (p.Ser473Cys)

Gene: RPGRIP1 (RPGR interacting protein 1; plus strand). Cytogenetic location: 14q11.2.
Variant type: single nucleotide variant.
Coding change: c.1418C>G on transcript NM_020366.4 (MANE Select); coding-DNA position 1418, C replaced by G.
Protein change: p.Ser473Cys; replaces serine 473 with cysteine.
Molecular consequence: missense variant. On other transcripts: 5 prime UTR variant (1).
Genome position (GRCh38, 1-based): chr14:21,320,128, C>G. VCF-style: chr14-21320128-C-G. GRCh37 (hg19) VCF-style: chr14-21788287-C-G.
Other names: c.344C>G, p.Ser115Cys (NM_001377523.1, NM_001377948.1, NM_001377949.1 and 1 more transcripts); c.-155C>G (NM_001377951.1); short protein forms S115C, S473C.
Identifiers: ClinVar variation 1396057 (VCV001396057.8), dbSNP rs1882237224, ClinGen allele CA388864824.
Genomic context (GRCh38, chr14:21,320,128, plus strand): 5'-AACAGGAAGTAGAGCTCCTCCAAAATGCAGCCACAATTTCCCAACCTCCTGACAGGCAAT[C>G]TGAACCAGCCACTCACCCAGCTGTATTGCAAGAGAACACTCAGATCGAGGTAAGAGCCTC-3'
Protein context (NP_065099.3, residues 463-483): ATISQPPDRQ[Ser473Cys]EPATHPAVLQ